The following is an entry in ClinVar:

ClinVar aggregate classification (germline): Uncertain significance (1 of 4 stars; one submission).

Allele frequency attached by ClinVar (database versions not stated): ExAC 0.00005; gnomAD 0.00001 and 0.00002; gnomAD exomes 0.00001 and 0.00002; TOPMed 0.00003.
gnomAD v4.1: 21 of 1,583,948 alleles (0.0013%); highest among the groups gnomAD compares: East Asian, 0.0023%; no homozygotes.

Submission:

Labcorp Genetics (formerly Invitae), Labcorp
Classification: Uncertain significance. Last evaluated: 2024-11-13. Review status: criteria provided, single submitter. Criteria: Invitae Variant Classification Sherloc (09022015). Collection method: clinical testing. Allele origin: germline.
Comment: This sequence change replaces threonine, which is neutral and polar, with methionine, which is neutral and non-polar, at codon 277 of the WDR1 protein (p.Thr277Met). The frequency data for this variant in the population databases is considered unreliable, as metrics indicate poor data quality at this position in the gnomAD database. This variant has not been reported in the literature in individuals affected with WDR1-related conditions. ClinVar contains an entry for this variant (Variation ID: 1447288). An algorithm developed to predict the effect of missense changes on protein structure and function (PolyPhen-2) suggests that this variant¬†is likely to be tolerated. In summary, the available evidence is currently insufficient to determine the role of this variant in disease. Therefore, it has been classified as a Variant of Uncertain Significance.

NM_017491.5(WDR1):c.830C>T (p.Thr277Met)

Gene: WDR1 (WD repeat domain 1; minus strand). Cytogenetic location: 4p16.1.
Variant type: single nucleotide variant.
Coding change: c.830C>T on transcript NM_017491.5 (MANE Select); coding-DNA position 830, C replaced by T.
Protein change: p.Thr277Met; replaces threonine 277 with methionine.
Molecular consequence: missense variant.
Genome position (GRCh38, 1-based): chr4:10,087,828, G>A on the plus strand (C>T on the coding strand, the complement: WDR1 is on the minus strand). VCF-style: chr4-10087828-G-A. GRCh37 (hg19) VCF-style: chr4-10089452-G-A.
Other names: c.410C>T, p.Thr137Met (NM_005112.5); short protein forms T137M, T277M.
Identifiers: ClinVar variation 1447288 (VCV001447288.4), dbSNP rs760077379, ClinGen allele CA2857877.